The following is an entry in ClinVar:

ClinVar aggregate classification (germline): Pathogenic (1 of 4 stars; one submission).

Conditions:
Neuromuscular disease caused by qualitative or quantitative defects of dysferlin. Also called: Qualitative or quantitative defects of dysferlin; Dysferlinopathy. Identifiers: Orphanet 207073, MedGen C2931687, MONDO:0016145.

Submission:

Labcorp Genetics (formerly Invitae), Labcorp
Classification: Pathogenic for Neuromuscular disease caused by qualitative or quantitative defects of dysferlin. Last evaluated: 2024-02-14. Review status: criteria provided, single submitter. Criteria: Invitae Variant Classification Sherloc (09022015). Collection method: clinical testing. Allele origin: germline.
Comment: This sequence change replaces glycine, which is neutral and non-polar, with arginine, which is basic and polar, at codon 1628 of the DYSF protein (p.Gly1628Arg). This variant is not present in population databases (gnomAD no frequency). This missense change has been observed in individual(s) with limb-girdle muscular dystrophy (PMID: 22194990). Advanced modeling of protein sequence and biophysical properties (such as structural, functional, and spatial information, amino acid conservation, physicochemical variation, residue mobility, and thermodynamic stability) performed at Invitae indicates that this missense variant is expected to disrupt DYSF protein function with a positive predictive value of 95%. This variant disrupts the p.Gly1628 amino acid residue in DYSF. Other variant(s) that disrupt this residue have been determined to be pathogenic (PMID: 19528035, 33610434; Invitae). This suggests that this residue is clinically significant, and that variants that disrupt this residue are likely to be disease-causing. For these reasons, this variant has been classified as Pathogenic.

Literature cited by the submitters: PubMed 22194990; PubMed 19528035; PubMed 33610434.

NM_001130987.2(DYSF):c.4999G>A (p.Gly1667Arg)

Gene: DYSF (dysferlin; plus strand). Cytogenetic location: 2p13.2.
Variant type: single nucleotide variant.
Coding change: c.4999G>A on transcript NM_001130987.2 (MANE Select); coding-DNA position 4999, G replaced by A.
Protein change: p.Gly1667Arg; replaces glycine 1667 with arginine.
Molecular consequence: missense variant.
Genome position (GRCh38, 1-based): chr2:71,660,647, G>A. VCF-style: chr2-71660647-G-A. GRCh37 (hg19) VCF-style: chr2-71887777-G-A.
Other names: c.4885G>A, p.Gly1629Arg (NM_001130455.2); c.4840G>A, p.Gly1614Arg (NM_001130976.2); c.4903G>A, p.Gly1635Arg (NM_001130977.2); c.4945G>A, p.Gly1649Arg (NM_001130978.2); c.4975G>A, p.Gly1659Arg (NM_001130979.2); c.4933G>A, p.Gly1645Arg (NM_001130980.2); c.4996G>A, p.Gly1666Arg (NM_001130981.2); c.4978G>A, p.Gly1660Arg (NM_001130982.2); and 5 more; short protein forms G1614R, G1636R, G1646R, G1659R, G1660R, G1667R, G1635R, G1645R.
Identifiers: ClinVar variation 3720345 (VCV003720345.2).